The following is an entry in ClinVar:

NM_006922.4(SCN3A):c.5360A>G (p.Glu1787Gly)

Gene: SCN3A (sodium voltage-gated channel alpha subunit 3; minus strand). Cytogenetic location: 2q24.3.
Variant type: single nucleotide variant.
Coding change: c.5360A>G on transcript NM_006922.4 (MANE Select); coding-DNA position 5360, A replaced by G.
Protein change: p.Glu1787Gly; replaces glutamic acid 1787 with glycine.
Molecular consequence: missense variant.
Genome position (GRCh38, 1-based): chr2:165,090,793, T>C on the plus strand (A>G on the coding strand, the complement: SCN3A is on the minus strand). VCF-style: chr2-165090793-T-C. GRCh37 (hg19) VCF-style: chr2-165947303-T-C.
Other names: c.5213A>G, p.Glu1738Gly (NM_001081676.2, NM_001081677.2); short protein forms E1738G, E1787G.
Identifiers: ClinVar variation 946949 (VCV000946949.9), dbSNP rs1453225363, ClinGen allele CA349015580.

ClinVar aggregate classification (germline): Uncertain significance (1 of 4 stars; one submission).

Allele frequency attached by ClinVar (database versions not stated): gnomAD exomes below 0.00001; TOPMed below 0.00001.
gnomAD v4.1: 1 of 1,614,106 alleles (0.000062%); highest among the groups gnomAD compares: Admixed American, 0.0017%; no homozygotes.

Submission:

Labcorp Genetics (formerly Invitae), Labcorp
Classification: Uncertain significance. Last evaluated: 2025-11-17. Review status: criteria provided, single submitter. Criteria: Invitae Variant Classification Sherloc (09022015). Collection method: clinical testing. Allele origin: germline.
Comment: This sequence change replaces glutamic acid, which is acidic and polar, with glycine, which is neutral and non-polar, at codon 1787 of the SCN3A protein (p.Glu1787Gly). This variant is present in population databases (no rsID available, gnomAD 0.003%). This variant has not been reported in the literature in individuals affected with SCN3A-related conditions. ClinVar contains an entry for this variant (Variation ID: 946949). Invitae Evidence Modeling of protein sequence and biophysical properties (such as structural, functional, and spatial information, amino acid conservation, physicochemical variation, residue mobility, and thermodynamic stability) has been performed for this missense variant. However, the output from this modeling did not meet the statistical confidence thresholds required to predict the impact of this variant on SCN3A protein function. In summary, the available evidence is currently insufficient to determine the role of this variant in disease. Therefore, it has been classified as a Variant of Uncertain Significance.